The following is an entry in ClinVar:

ClinVar aggregate classification (germline): Uncertain significance (1 of 4 stars; one submission).

Conditions:
DNAH11-related disorder. Also called: DNAH11-related condition.

Allele frequency attached by ClinVar (database versions not stated): TOPMed below 0.00001; gnomAD 0.00001.
gnomAD v4.1: 1 of 1,613,356 alleles (0.000062%); highest among the groups gnomAD compares: African/African-American, 0.0013%; no homozygotes.

Submission:

PreventionGenetics, part of Exact Sciences
Classification: Uncertain significance for DNAH11-related condition. Last evaluated: 2023-09-03. Review status: criteria provided, single submitter. Criteria: ACMG Guidelines, 2015. Collection method: clinical testing. Allele origin: germline.
Comment: The DNAH11 c.3968T>C variant is predicted to result in the amino acid substitution p.Ile1323Thr. To our knowledge, this variant has not been reported in the literature or in a large population database, indicating this variant is rare. At this time, the clinical significance of this variant is uncertain due to the absence of conclusive functional and genetic evidence.

NM_001277115.2(DNAH11):c.3968T>C (p.Ile1323Thr)

Gene: DNAH11 (dynein axonemal heavy chain 11; plus strand). Cytogenetic location: 7p15.3.
Variant type: single nucleotide variant.
Coding change: c.3968T>C on transcript NM_001277115.2 (MANE Select); coding-DNA position 3968, T replaced by C.
Protein change: p.Ile1323Thr; replaces isoleucine 1323 with threonine.
Molecular consequence: missense variant.
Genome position (GRCh38, 1-based): chr7:21,615,229, T>C. VCF-style: chr7-21615229-T-C. GRCh37 (hg19) VCF-style: chr7-21654847-T-C.
Other names: c.3968T>C, p.Ile1323Thr (NM_003777.3); short protein forms I1323T.
Identifiers: ClinVar variation 2628718 (VCV002628718.1), dbSNP rs1785713673, ClinGen allele CA366951268.